The following is an entry in ClinVar:

NM_015703.5(RRP7A):c.148G>C (p.Gly50Arg)

Gene: RRP7A (ribosomal RNA processing 7 homolog A; minus strand). Cytogenetic location: 22q13.2.
Variant type: single nucleotide variant.
Coding change: c.148G>C on transcript NM_015703.5 (MANE Select); coding-DNA position 148, G replaced by C.
Protein change: p.Gly50Arg; replaces glycine 50 with arginine.
Molecular consequence: missense variant.
Genome position (GRCh38, 1-based): chr22:42,518,073, C>G on the plus strand (G>C on the coding strand, the complement: RRP7A is on the minus strand). VCF-style: chr22-42518073-C-G. GRCh37 (hg19) VCF-style: chr22-42914079-C-G.
Other names: short protein forms G50R.
Identifiers: ClinVar variation 4681658 (VCV004681658.5).
Genomic context (GRCh38, chr22:42,518,073, plus strand): 5'-AGTATGGGGGCACATTGAGGACAAAAAGAGTCCTCTTCTGAGGCCAGGTGGACTTGGTGC[C>G]TTGTCGAACGCCGTGTGCTCTCACATAGAGGTAGTGAGAAGCCTGTTGCTTTTCAGAGAA-3'
Protein context (NP_056518.2, residues 40-60): LYVRAHGVRQ[Gly50Arg]TKSTWPQKRT

ClinVar aggregate classification (germline): Uncertain significance (1 of 4 stars; one submission).

Submission:

CeGaT Center for Human Genetics Tuebingen
Classification: Uncertain significance. Last evaluated: 2025-12-01. Review status: criteria provided, single submitter. Criteria: CeGaT Center For Human Genetics Tuebingen Variant Classification Criteria Version 2. Collection method: clinical testing. Allele origin: germline. Affected: yes. Observed: 1 variant allele.
Comment: RRP7A: PM2, BP4